The following is an entry in ClinVar:

ClinVar aggregate classification (germline): Uncertain significance (1 of 4 stars; one submission).

Conditions:
Early Myoclonic Encephalopathy. Identifiers: MedGen C0270855.

gnomAD v4.1: 4 of 1,609,630 alleles (0.00025%); highest among the groups gnomAD compares: Non-Finnish European, 0.00034%; no homozygotes.

Submission:

Labcorp Genetics (formerly Invitae), Labcorp
Classification: Uncertain significance for Early Myoclonic Encephalopathy. Last evaluated: 2019-07-25. Review status: criteria provided, single submitter. Criteria: Invitae Variant Classification Sherloc (09022015). Collection method: clinical testing. Allele origin: germline.
Comment: This sequence change replaces arginine with leucine at codon 24 of the JMJD1C protein (p.Arg24Leu). The arginine residue is weakly conserved and there is a moderate physicochemical difference between arginine and leucine. This variant is not present in population databases (ExAC no frequency). This variant has not been reported in the literature in individuals with JMJD1C-related disease. Algorithms developed to predict the effect of missense changes on protein structure and function (SIFT, PolyPhen-2, Align-GVGD) all suggest that this variant is likely to be tolerated, but these predictions have not been confirmed by published functional studies and their clinical significance is uncertain. In summary, the available evidence is currently insufficient to determine the role of this variant in disease. Therefore, it has been classified as a Variant of Uncertain Significance.

NM_032776.3(JMJD1C):c.71G>T (p.Arg24Leu)

Genes: JMJD1C (jumonji domain containing 1C; minus strand), JMJD1C-AS1 (JMJD1C antisense RNA 1; plus strand). Cytogenetic location: 10q21.3.
Variant type: single nucleotide variant.
Coding change: c.71G>T on transcript NM_032776.3 (MANE Select); coding-DNA position 71, G replaced by T.
Protein change: p.Arg24Leu; replaces arginine 24 with leucine.
Molecular consequence: missense variant. On other transcripts: non-coding transcript variant (1), intron variant (2).
Genome position (GRCh38, 1-based): chr10:63,465,592, C>A on the plus strand (G>T on the coding strand, the complement: JMJD1C is on the minus strand). VCF-style: chr10-63465592-C-A. GRCh37 (hg19) VCF-style: chr10-65225352-C-A.
Other names: c.71G>T, p.Arg24Leu (NM_001322252.2); c.-384+56146G>T (NM_001322258.2); c.-379+56146G>T (NM_001318154.2); short protein forms R24L.
Identifiers: ClinVar variation 662424 (VCV000662424.10), dbSNP rs1020421317, ClinGen allele CA208670955.